The following is an entry in ClinVar:

NM_001292063.2(OTOG):c.1382A>C (p.Glu461Ala)

Gene: OTOG (otogelin; plus strand). Cytogenetic location: 11p15.1.
Variant type: single nucleotide variant.
Coding change: c.1382A>C on transcript NM_001292063.2 (MANE Select); coding-DNA position 1382, A replaced by C.
Protein change: p.Glu461Ala; replaces glutamic acid 461 with alanine.
Molecular consequence: missense variant.
Genome position (GRCh38, 1-based): chr11:17,560,748, A>C. VCF-style: chr11-17560748-A-C. GRCh37 (hg19) VCF-style: chr11-17582295-A-C.
Other names: c.1418A>C, p.Glu473Ala (NM_001277269.2); short protein forms E461A, E473A.
Identifiers: ClinVar variation 2573696 (VCV002573696.2), dbSNP rs1387342390, ClinGen allele CA379817512.

ClinVar aggregate classification (germline): Uncertain significance (1 of 4 stars; one submission).

gnomAD v4.1: 6 of 1,550,498 alleles (0.00039%); highest among the groups gnomAD compares: African/African-American, 0.0014%; no homozygotes.

Submission:

GeneDx
Classification: Uncertain significance. Last evaluated: 2025-10-02. Review status: criteria provided, single submitter. Criteria: GeneDx Variant Classification Process June 2021. Collection method: clinical testing. Allele origin: germline.
Comment: Not observed at significant frequency in large population cohorts (gnomAD); In silico analysis supports that this missense variant has a deleterious effect on protein structure/function; Has not been previously published as pathogenic or benign to our knowledge